The following is an entry in ClinVar:

NM_019109.5(ALG1):c.1182C>G (p.Phe394Leu)

Gene: ALG1 (ALG1 chitobiosyldiphosphodolichol beta-mannosyltransferase; plus strand). Cytogenetic location: 16p13.3.
Variant type: single nucleotide variant.
Coding change: c.1182C>G on transcript NM_019109.5 (MANE Select); coding-DNA position 1182, C replaced by G.
Protein change: p.Phe394Leu; replaces phenylalanine 394 with leucine.
Molecular consequence: missense variant.
Genome position (GRCh38, 1-based): chr16:5,082,668, C>G. VCF-style: chr16-5082668-C-G. GRCh37 (hg19) VCF-style: chr16-5132669-C-G.
Other names: c.849C>G, p.Phe283Leu (NM_001330504.2); short protein forms F394L, F283L.
Identifiers: ClinVar variation 1458147 (VCV001458147.6), dbSNP rs1386102245, ClinGen allele CA394673976.

ClinVar aggregate classification (germline): Pathogenic (1 of 4 stars; one submission).

Conditions:
ALG1-congenital disorder of glycosylation. Also called: ALG1-CDG; CDG Ik; CONGENITAL DISORDER OF GLYCOSYLATION, TYPE Ik. Identifiers: Orphanet 79327, MedGen C2931005, MONDO:0012052, OMIM 608540.

Submission:

Labcorp Genetics (formerly Invitae), Labcorp
Classification: Pathogenic for ALG1-congenital disorder of glycosylation. Last evaluated: 2025-07-14. Review status: criteria provided, single submitter. Criteria: Invitae Variant Classification Sherloc (09022015). Collection method: clinical testing. Allele origin: germline.
Comment: This sequence change replaces phenylalanine, which is neutral and non-polar, with leucine, which is neutral and non-polar, at codon 394 of the ALG1 protein (p.Phe394Leu). This variant is present in population databases (no rsID available, gnomAD 0.007%). This missense change has been observed in individual(s) with ALG1-related conditions (PMID: 22966035, 33643843). In at least one individual the data is consistent with being in trans (on the opposite chromosome) from a pathogenic variant. ClinVar contains an entry for this variant (Variation ID: 1458147). Invitae Evidence Modeling of protein sequence and biophysical properties (such as structural, functional, and spatial information, amino acid conservation, physicochemical variation, residue mobility, and thermodynamic stability) indicates that this missense variant is expected to disrupt ALG1 protein function with a positive predictive value of 80%. For these reasons, this variant has been classified as Pathogenic.

Literature cited by the submitters: PubMed 22966035; PubMed 33643843.